The following is an entry in ClinVar:

NM_001243279.3(ACSF3):c.1052T>C (p.Leu351Pro)

Genes: ACSF3 (acyl-CoA synthetase family member 3; plus strand), LOC125177393 (P300/CBP strongly-dependent group 1 enhancer GRCh37_chr16:89180375-89181574; plus strand). Cytogenetic location: 16q24.3.
Variant type: single nucleotide variant.
Coding change: c.1052T>C on transcript NM_001243279.3 (MANE Select); coding-DNA position 1052, T replaced by C.
Protein change: p.Leu351Pro; replaces leucine 351 with proline.
Molecular consequence: missense variant. On other transcripts: non-coding transcript variant (2).
Genome position (GRCh38, 1-based): chr16:89,114,413, T>C. VCF-style: chr16-89114413-T-C. GRCh37 (hg19) VCF-style: chr16-89180821-T-C.
Other names: c.1052T>C, p.Leu351Pro (NM_001127214.4, NM_174917.5); c.257T>C, p.Leu86Pro (NM_001284316.2); short protein forms L351P, L86P.
Identifiers: ClinVar variation 2428575 (VCV002428575.3), dbSNP rs753012117, ClinGen allele CA8237942.

ClinVar aggregate classification (germline): Uncertain significance (1 of 4 stars; one submission).

Conditions:
Combined malonic and methylmalonic acidemia. Identifiers: Orphanet 289504, MedGen C3280314, MONDO:0013661, OMIM 614265.

Allele frequency attached by ClinVar (database versions not stated): ExAC 0.00003; gnomAD exomes 0.00003.

Submission:

ARUP Laboratories, Molecular Genetics and Genomics, ARUP Laboratories
Classification: Uncertain significance for Combined malonic and methylmalonic acidemia. Last evaluated: 2022-05-05. Review status: criteria provided, single submitter. Criteria: ARUP Molecular Germline Variant Investigation Process 2021. Collection method: clinical testing. Allele origin: germline.
Comment: The ACSF3 c.1052T>C; p.Leu351Pro variant (rs753012117), to our knowledge, is not reported in the medical literature or gene specific databases. This variant is only observed on four alleles in the Genome Aggregation Database, indicating it is not a common polymorphism. The leucine at codon 351 is moderately conserved, but computational analyses predict that this variant is deleterious (REVEL: 0.743). Due to limited information, the clinical significance of the p.Leu351Pro variant is uncertain at this time.